The following is an entry in ClinVar:

ClinVar aggregate classification (germline): Uncertain significance (1 of 4 stars; one submission).

Conditions:
Kabuki syndrome. Also called: NIIKAWA-KUROKI SYNDROME; Kabuki make-up syndrome. Identifiers: Orphanet 2322, MedGen C0796004, MONDO:0016512.

Submission:

Labcorp Genetics (formerly Invitae), Labcorp
Classification: Uncertain significance for Kabuki syndrome. Last evaluated: 2022-02-05. Review status: criteria provided, single submitter. Criteria: Invitae Variant Classification Sherloc (09022015). Collection method: clinical testing. Allele origin: germline.
Comment: In summary, the available evidence is currently insufficient to determine the role of this variant in disease. Therefore, it has been classified as a Variant of Uncertain Significance. Advanced modeling of protein sequence and biophysical properties (such as structural, functional, and spatial information, amino acid conservation, physicochemical variation, residue mobility, and thermodynamic stability) performed at Invitae indicates that this missense variant is expected to disrupt KMT2D protein function. This variant has not been reported in the literature in individuals affected with KMT2D-related conditions. This variant is not present in population databases (gnomAD no frequency). This sequence change replaces tyrosine, which is neutral and polar, with histidine, which is basic and polar, at codon 5156 of the KMT2D protein (p.Tyr5156His).

NM_003482.4(KMT2D):c.15466T>C (p.Tyr5156His)

Gene: KMT2D (lysine methyltransferase 2D; minus strand). Cytogenetic location: 12q13.12.
Variant type: single nucleotide variant.
Coding change: c.15466T>C on transcript NM_003482.4 (MANE Select); coding-DNA position 15466, T replaced by C.
Protein change: p.Tyr5156His; replaces tyrosine 5156 with histidine.
Molecular consequence: missense variant.
Genome position (GRCh38, 1-based): chr12:49,026,500, A>G on the plus strand (T>C on the coding strand, the complement: KMT2D is on the minus strand). VCF-style: chr12-49026500-A-G. GRCh37 (hg19) VCF-style: chr12-49420283-A-G.
Other names: short protein forms Y5156H.
Identifiers: ClinVar variation 1447371 (VCV001447371.8), dbSNP rs2137716436, ClinGen allele CA384687711.
Genomic context (GRCh38, chr12:49,026,500, plus strand): 5'-GCAGCCGTTCTCCCCGCTGAATGATGCTAGCGATTTGCTTCACCTCGTCCCGCTCAATGT[A>G]GACCCGCCGGAAGACAGCAAAAGAGCTCAGCTCTTGCTCACAGGGCCCCTTGATCTTATG-3'
Protein context (NP_003473.3, residues 5146-5166): LSSFAVFRRV[Tyr5156His]IERDEVKQIA